The following is an entry in ClinVar:

NM_030773.4(TUBB1):c.57+1G>A

Gene: TUBB1 (tubulin beta 1 class VI; plus strand). Cytogenetic location: 20q13.32.
Variant type: single nucleotide variant.
Coding change: c.57+1G>A on transcript NM_030773.4 (MANE Select); the canonical splice donor site of the intron after coding-DNA position 57, G replaced by A.
Molecular consequence: splice donor variant.
Genome position (GRCh38, 1-based): chr20:59,019,580, G>A. VCF-style: chr20-59019580-G-A. GRCh37 (hg19) VCF-style: chr20-57594635-G-A.
Identifiers: ClinVar variation 1028901 (VCV001028901.1), dbSNP rs376073390, ClinGen allele CA409465788.

ClinVar aggregate classification (germline): Likely pathogenic (1 of 4 stars; one submission).

Conditions:
Macrothrombocytopenia, isolated, 1, autosomal dominant (MACTHC1). Also called: Autosomal dominant macrothrombocytopenia TUBB1-related. Identifiers: Orphanet 140957, MedGen C5676892, MONDO:0800047, OMIM 613112.

Submission:

Baylor Genetics
Classification: Likely pathogenic for Macrothrombocytopenia, isolated, 1, autosomal dominant. Last evaluated: 2020-01-10. Review status: criteria provided, single submitter. Criteria: ACMG Guidelines, 2015. Collection method: clinical testing. Allele origin: unknown. Affected: yes.
Comment: This variant was determined to be likely pathogenic according to ACMG Guidelines, 2015 [PMID:25741868].